The following is an entry in ClinVar:

NM_015346.4(ZFYVE26):c.5313T>C (p.Ala1771=)

Gene: ZFYVE26 (zinc finger FYVE-type containing 26; minus strand). Cytogenetic location: 14q24.1.
Variant type: single nucleotide variant.
Coding change: c.5313T>C on transcript NM_015346.4 (MANE Select); coding-DNA position 5313, T replaced by C.
Protein change: p.Ala1771=; no amino-acid change (alanine 1771 retained).
Molecular consequence: synonymous variant.
Genome position (GRCh38, 1-based): chr14:67,775,023, A>G on the plus strand (T>C on the coding strand, the complement: ZFYVE26 is on the minus strand). VCF-style: chr14-67775023-A-G. GRCh37 (hg19) VCF-style: chr14-68241740-A-G.
Identifiers: ClinVar variation 1564002 (VCV001564002.13), dbSNP rs2140211044, ClinGen allele CA486771825.

ClinVar aggregate classification (germline): Likely benign. Review status: criteria provided, multiple submitters, no conflicts (2 of 4 stars). 2 submissions from 2 submitters: Likely benign (2). Last evaluated 2025-12-01.

Conditions:
Spastic paraplegia. Identifiers: MedGen C0037772, HP:0001258.

Submissions (2):

CeGaT Center for Human Genetics Tuebingen
Classification: Likely benign. Last evaluated: 2025-12-01. Review status: criteria provided, single submitter. Criteria: CeGaT Center For Human Genetics Tuebingen Variant Classification Criteria Version 2. Collection method: clinical testing. Allele origin: germline. Affected: yes. Observed: 1 variant allele.
Comment: ZFYVE26: PM2:Supporting, BP4, BP7

Labcorp Genetics (formerly Invitae), Labcorp
Classification: Likely benign for Spastic paraplegia. Last evaluated: 2022-06-28. Review status: criteria provided, single submitter. Criteria: Invitae Variant Classification Sherloc (09022015). Collection method: clinical testing. Allele origin: germline.